The following is an entry in ClinVar:

NM_014639.4(SKIC3):c.264_271del (p.Asn88fs)

Gene: SKIC3 (SKI3 subunit of superkiller complex; minus strand). Cytogenetic location: 5q15.
Variant type: Deletion.
Coding change: c.264_271del on transcript NM_014639.4 (MANE Select); coding-DNA positions 264 to 271, 8 bases deleted (TCACATAA; older notation c.264_271delTCACATAA).
Protein change: p.Asn88fs; shifts the reading frame from asparagine 88.
Molecular consequence: frameshift variant.
Genome position (GRCh38, 1-based): chr5:95,541,870-95,541,877, TTATGTGA deleted on the plus strand (TCACATAA on the coding strand, the reverse complement: SKIC3 is on the minus strand); deleting any 8 consecutive bases within chr5:95,541,870-95,541,881 gives the same sequence; the c. name uses the placement nearest the transcript's 3' end. VCF-style (leftmost placement, unchanged base first): chr5-95541869-TTTATGTGA-T. GRCh37 (hg19) VCF-style: chr5-94877573-TTTATGTGA-T.
Other names: short protein forms N88fs.
Identifiers: ClinVar variation 3668948 (VCV003668948.2).

ClinVar aggregate classification (germline): Pathogenic (1 of 4 stars; one submission).

Submission:

Labcorp Genetics (formerly Invitae), Labcorp
Classification: Pathogenic. Last evaluated: 2024-10-11. Review status: criteria provided, single submitter. Criteria: Invitae Variant Classification Sherloc (09022015). Collection method: clinical testing. Allele origin: germline.
Comment: This sequence change creates a premature translational stop signal (p.Asn88Lysfs*3) in the TTC37 gene. It is expected to result in an absent or disrupted protein product. Loss-of-function variants in TTC37 are known to be pathogenic (PMID: 20176027, 21120949). This variant is not present in population databases (gnomAD no frequency). This variant has not been reported in the literature in individuals affected with TTC37-related conditions. For these reasons, this variant has been classified as Pathogenic.

Literature cited by the submitters: PubMed 20176027; PubMed 21120949.